The following is an entry in ClinVar:

ClinVar aggregate classification (germline): Pathogenic (3 of 4 stars; one submission).

Conditions:
Juvenile retinoschisis (RS1). Also called: X-linked retinoschisis; X-Linked Juvenile Retinoschisis. Identifiers: Orphanet 792, MedGen C3714753, MONDO:0010725, OMIM 312700.

Submission:

ClinGen X-linked Inherited Retinal Disease Variant Curation Expert Panel, ClinGen
Classification: Pathogenic for Juvenile retinoschisis. Last evaluated: 2026-09-26. Review status: reviewed by expert panel. Criteria: ClinGen X LinkedIRD ACMG Specifications RS1 V1.0.0. Collection method: curation. Allele origin: germline. Inheritance: X-linked inheritance.
Comment: The NM_000330.4(RS1):c.52+2T>A variant is a canonical splice site variant in intron 1, located 2 nucleotides after exon 1. This variant occurs at a canonical splice site in intron 1 and is predicted to disrupt splicing and induce skipping of exon 2, which is expected to introduce a premature stop codon and disrupt a critical functional domain in RS1 (PVS1). This variant is absent from hemizygous individuals in gnomAD v4.1.0 (PM2_Supporting). At least one proband harboring this variant exhibits the following phenotypes, including the appearance of schisis and reduced visual acuity before age 13 years, which together are specific for X-linked retinoschisis (PMID: 33124204, PP4). In summary, this variant is classified as pathogenic for X-linked retinoschisis based on the ClinGen X-linked Inherited Retinal Disease Expert Panel Specifications to the ACMG/AMP Variant Interpretation Guidelines for RS1 Version 1.0.0: PVS1, PM2_Supporting, and PP4.

NM_000330.4(RS1):c.52+2T>A

Gene: RS1 (retinoschisin 1; minus strand). Cytogenetic location: Xp22.13.
Variant type: single nucleotide variant.
Coding change: c.52+2T>A on transcript NM_000330.4 (MANE Select); the canonical splice donor site of the intron after coding-DNA position 52, T replaced by A.
Molecular consequence: splice donor variant.
Genome position (GRCh38, 1-based): chrX:18,672,015, A>T on the plus strand (T>A on the coding strand, the complement: RS1 is on the minus strand). VCF-style: chrX-18672015-A-T. GRCh37 (hg19) VCF-style: chrX-18690135-A-T.
Other names: NM_000330.4:c.52+2T>A.
Identifiers: ClinVar variation 4976897 (VCV004976897.1).